The following is an entry in ClinVar:

ClinVar aggregate classification (germline): Pathogenic. Review status: criteria provided, multiple submitters, no conflicts (2 of 4 stars). 2 submissions from 2 submitters: Pathogenic (2). Last evaluated 2023-09-14.

Conditions:
Familial cancer of breast. Also called: Hereditary breast cancer; BREAST CANCER, FAMILIAL; hereditary breast carcinoma. Identifiers: Orphanet 227535, MedGen C0346153, MONDO:0016419, OMIM 114480. Disease mechanism: loss of function.

Submissions (2):

Myriad Genetics, Inc.
Classification: Pathogenic for Familial cancer of breast. Last evaluated: 2023-09-14. Review status: criteria provided, single submitter. Criteria: Myriad Autosomal Dominant, Autosomal Recessive and X-Linked Classification Criteria (2023). Collection method: clinical testing. Allele origin: unknown.
Comment: This variant is considered pathogenic. This variant creates a frameshift predicted to result in premature protein truncation.

Labcorp Genetics (formerly Invitae), Labcorp
Classification: Pathogenic for Familial cancer of breast. Last evaluated: 2022-08-07. Review status: criteria provided, single submitter. Criteria: Invitae Variant Classification Sherloc (09022015). Collection method: clinical testing. Allele origin: germline.
Comment: For these reasons, this variant has been classified as Pathogenic. ClinVar contains an entry for this variant (Variation ID: 864149). This variant has not been reported in the literature in individuals affected with PALB2-related conditions. This variant is not present in population databases (gnomAD no frequency). This sequence change creates a premature translational stop signal (p.Arg975Glufs*4) in the PALB2 gene. It is expected to result in an absent or disrupted protein product. Loss-of-function variants in PALB2 are known to be pathogenic (PMID: 17200668, 17200671, 17200672, 24136930, 25099575).

Literature cited by the submitters: PubMed 17200668 (cited by Labcorp Genetics (formerly Invitae), Labcorp); PubMed 17200671 (cited by Labcorp Genetics (formerly Invitae), Labcorp); PubMed 17200672 (cited by Labcorp Genetics (formerly Invitae), Labcorp); PubMed 24136930 (cited by Labcorp Genetics (formerly Invitae), Labcorp); PubMed 25099575 (cited by Labcorp Genetics (formerly Invitae), Labcorp).

NM_024675.4(PALB2):c.2923_2924del (p.Arg975fs)

Gene: PALB2 (partner and localizer of BRCA2; minus strand). Cytogenetic location: 16p12.2.
Variant type: Microsatellite.
Coding change: c.2923_2924del on transcript NM_024675.4 (MANE Select); coding-DNA positions 2923 to 2924, 2 bases deleted (AG; older notation c.2923_2924delAG).
Protein change: p.Arg975fs; shifts the reading frame from arginine 975.
Molecular consequence: frameshift variant.
Genome position (GRCh38, 1-based): chr16:23,623,041-23,623,042, CT deleted on the plus strand (AG on the coding strand, the reverse complement: PALB2 is on the minus strand); deleting any 2 consecutive bases within chr16:23,623,041-23,623,044 gives the same sequence; the c. name uses the placement nearest the transcript's 3' end. VCF-style (leftmost placement, unchanged base first): chr16-23623040-CCT-C. GRCh37 (hg19) VCF-style: chr16-23634361-CCT-C.
Other names: short protein forms R975fs.
Identifiers: ClinVar variation 864149 (VCV000864149.9), dbSNP rs1966801432, ClinGen allele CA916081814.